The following is an entry in ClinVar:

ClinVar aggregate classification (germline): Pathogenic. Review status: criteria provided, multiple submitters, no conflicts (2 of 4 stars). 2 submissions from 2 submitters: Pathogenic (2). Last evaluated 2024-02-04.

Allele frequency attached by ClinVar (database versions not stated): gnomAD exomes below 0.00001; TOPMed below 0.00001; gnomAD 0.00001.
gnomAD v4.1: 3 of 1,613,984 alleles (0.00019%); highest among the groups gnomAD compares: Non-Finnish European, 0.00025%; no homozygotes.

Submissions (2):

Labcorp Genetics (formerly Invitae), Labcorp
Classification: Pathogenic. Last evaluated: 2024-02-04. Review status: criteria provided, single submitter. Criteria: Invitae Variant Classification Sherloc (09022015). Collection method: clinical testing. Allele origin: germline.
Comment: This sequence change creates a premature translational stop signal (p.Lys329*) in the ABCC8 gene. It is expected to result in an absent or disrupted protein product. Loss-of-function variants in ABCC8 are known to be pathogenic (PMID: 20685672, 23345197). This variant is not present in population databases (gnomAD no frequency). This premature translational stop signal has been observed in individual(s) with congenital hyperinsulinism (PMID: 23345197). ClinVar contains an entry for this variant (Variation ID: 1315564). For these reasons, this variant has been classified as Pathogenic.

GeneDx
Classification: Pathogenic. Last evaluated: 2019-04-30. Review status: criteria provided, single submitter. Criteria: GeneDx Variant Classification Process June 2021. Collection method: clinical testing. Allele origin: germline. Affected: yes.
Comment: Nonsense variant predicted to result in protein truncation or nonsense mediated decay in a gene for which loss-of-function is a known mechanism of disease; Not observed in large population cohorts (Lek et al., 2016); This variant is associated with the following publications: (PMID: 23345197)

Literature cited by the submitters: PubMed 20685672 (cited by Labcorp Genetics (formerly Invitae), Labcorp); PubMed 23345197 (cited by Labcorp Genetics (formerly Invitae), Labcorp).

NM_000352.6(ABCC8):c.985A>T (p.Lys329Ter)

Gene: ABCC8 (ATP binding cassette subfamily C member 8; minus strand). Cytogenetic location: 11p15.1.
Variant type: single nucleotide variant.
Coding change: c.985A>T on transcript NM_000352.6 (MANE Select); coding-DNA position 985, A replaced by T.
Protein change: p.Lys329Ter; replaces lysine 329 with a stop codon.
Molecular consequence: nonsense. On other transcripts: non-coding transcript variant (1).
Genome position (GRCh38, 1-based): chr11:17,460,514, T>A on the plus strand (A>T on the coding strand, the complement: ABCC8 is on the minus strand). VCF-style: chr11-17460514-T-A. GRCh37 (hg19) VCF-style: chr11-17482061-T-A.
Other names: c.985A>T, p.Lys329Ter (NM_001287174.3, NM_001351295.2); c.982A>T, p.Lys328Ter (NM_001351296.2, NM_001351297.2); short protein forms K328*, K329*.
Identifiers: ClinVar variation 1315564 (VCV001315564.5), dbSNP rs1957147183, ClinGen allele CA379775934.
Genomic context (GRCh38, chr11:17,460,514, plus strand): 5'-GAGGGTGCCTTACCCTACCCCTGGGGCTGCCTACCTTGGGCTGGAAGACGTCGTTCTCCT[T>A]CCCAAGGTGGTCCACGATCCCAAAGATGCACAGTGGCCCGGCGAAGCCCAGCAGGTCGGC-3'